The following is an entry in ClinVar:

NM_057175.5(NAA15):c.1521dup (p.Cys508fs)

Gene: NAA15 (N-alpha-acetyltransferase 15, NatA auxiliary subunit; plus strand). Cytogenetic location: 4q31.1.
Variant type: Duplication.
Coding change: c.1521dup on transcript NM_057175.5 (MANE Select); coding-DNA position 1521, one base duplicated (A; older notation c.1521dupA).
Protein change: p.Cys508fs; shifts the reading frame from cysteine 508.
Molecular consequence: frameshift variant.
Genome position (GRCh38, 1-based): chr4:139,360,610, A duplicated; the last of 3 consecutive A bases (chr4:139,360,608-139,360,610); duplicating any one gives the same sequence. VCF-style (leftmost placement, unchanged base first): chr4-139360607-G-GA. GRCh37 (hg19) VCF-style: chr4-140281761-G-GA.
Other names: short protein forms C508fs.
Identifiers: ClinVar variation 817654 (VCV000817654.1), dbSNP rs1579122878, ClinGen allele CA915943211.

ClinVar aggregate classification (germline): Pathogenic (1 of 4 stars; one submission).

Submission:

GeneDx
Classification: Pathogenic. Last evaluated: 2018-09-12. Review status: criteria provided, single submitter. Criteria: GeneDx Variant Classification (06012015). Collection method: clinical testing. Allele origin: germline. Affected: yes.
Comment: The c.1521dupA variant in the NAA15 gene has not been reported previously as a pathogenic variant nor as a benign variant, to our knowledge. This variant causes a frameshift starting with codon Cysteine 508, changes this amino acid to a Methionine residue, and creates a premature Stop codon at position 3 of the new reading frame, p.Cys508MetfsX3. This variant is predicted to cause loss of normal protein function either through protein truncation or nonsense-mediated mRNA decay. The c.1521dupA variant is not observed in large population cohorts (Lek et al., 2016). We interpret c.1521dupA as a pathogenic variant.